The following is an entry in ClinVar:

NM_021072.4(HCN1):c.1068G>T (p.Met356Ile)

Gene: HCN1 (hyperpolarization activated cyclic nucleotide gated potassium channel 1; minus strand). Cytogenetic location: 5p12.
Variant type: single nucleotide variant.
Coding change: c.1068G>T on transcript NM_021072.4 (MANE Select); coding-DNA position 1068, G replaced by T.
Protein change: p.Met356Ile; replaces methionine 356 with isoleucine.
Molecular consequence: missense variant.
Genome position (GRCh38, 1-based): chr5:45,396,654, C>A on the plus strand (G>T on the coding strand, the complement: HCN1 is on the minus strand). VCF-style: chr5-45396654-C-A. GRCh37 (hg19) VCF-style: chr5-45396756-C-A.
Other names: short protein forms M356I.
Identifiers: ClinVar variation 2824430 (VCV002824430.3), dbSNP rs2478007086, ClinGen allele CA359705502.

ClinVar aggregate classification (germline): Uncertain significance (1 of 4 stars; one submission).

Conditions:
Early-infantile DEE. Also called: Early infantile epileptic encephalopathy; Early infantile epileptic encephalopathy with suppression bursts; Ohtahara syndrome. Identifiers: Orphanet 1934, MedGen C0393706, MONDO:0800491.

Submission:

Labcorp Genetics (formerly Invitae), Labcorp
Classification: Uncertain significance for Early-infantile DEE. Last evaluated: 2022-12-26. Review status: criteria provided, single submitter. Criteria: Invitae Variant Classification Sherloc (09022015). Collection method: clinical testing. Allele origin: germline.
Comment: This sequence change replaces methionine, which is neutral and non-polar, with isoleucine, which is neutral and non-polar, at codon 356 of the HCN1 protein (p.Met356Ile). This variant is not present in population databases (gnomAD no frequency). This variant has not been reported in the literature in individuals affected with HCN1-related conditions. Advanced modeling of protein sequence and biophysical properties (such as structural, functional, and spatial information, amino acid conservation, physicochemical variation, residue mobility, and thermodynamic stability) performed at Invitae indicates that this missense variant is expected to disrupt HCN1 protein function. In summary, the available evidence is currently insufficient to determine the role of this variant in disease. Therefore, it has been classified as a Variant of Uncertain Significance.